The following is an entry in ClinVar:

NM_018979.4(WNK1):c.*1342G>T

Gene: WNK1 (WNK lysine deficient protein kinase 1; plus strand). Cytogenetic location: 12p13.33.
Variant type: single nucleotide variant.
Coding change: c.*1342G>T on transcript NM_018979.4 (MANE Select); 1342 bases downstream of the stop codon, G replaced by T.
Molecular consequence: 3 prime UTR variant.
Genome position (GRCh38, 1-based): chr12:910,134, G>T. VCF-style: chr12-910134-G-T. GRCh37 (hg19) VCF-style: chr12-1019300-G-T.
Other names: c.*1342G>T (NM_001184985.2, NM_014823.3, NM_213655.5).
Identifiers: ClinVar variation 306694 (VCV000306694.6), dbSNP rs77954451, ClinGen allele CA10633692.

ClinVar aggregate classification (germline): Benign. Review status: criteria provided, multiple submitters, no conflicts (2 of 4 stars). 2 submissions from 2 submitters: Benign (2). Last evaluated 2018-01-13.

Conditions:
Pseudohypoaldosteronism type 2C (PHA2C). Also called: Pseudohypoaldosteronism Type IIC. Identifiers: Orphanet 757, Orphanet 88940, MedGen C1840391, MONDO:0013778, OMIM 614492.

Allele frequency attached by ClinVar (database versions not stated): 1000 Genomes Project 0.00519; 1000 Genomes Project 30x 0.00547; gnomAD exomes 0.01282; TOPMed 0.01463.
gnomAD v4.1: 2,287 of 152,220 alleles (1.5%); highest among the groups gnomAD compares: Non-Finnish European, 2.5%; 33 homozygotes.

Submissions (2):

Illumina Laboratory Services, Illumina
Classification: Benign for Pseudohypoaldosteronism type 2C. Last evaluated: 2018-01-13. Review status: criteria provided, single submitter. Criteria: ICSL Variant Classification Criteria 13 December 2019. Collection method: clinical testing. Allele origin: germline.
Comment: This variant was observed in the ICSL laboratory as part of a predisposition screen in an ostensibly healthy population. It had not been previously curated by ICSL or reported in the Human Gene Mutation Database (HGMD: prior to June 1st, 2018), and was therefore a candidate for classification through an automated scoring system. Utilizing variant allele frequency, disease prevalence and penetrance estimates, and inheritance mode, an automated score was calculated to assess if this variant is too frequent to cause the disease. Based on the score and internal cut-off values, a variant classified as benign is not then subjected to further curation. The score for this variant resulted in a classification of benign for this disease.

Breakthrough Genomics
Classification: Benign. Review status: criteria provided, single submitter. Criteria: ACMG Guidelines, 2015. Collection method: not provided. Allele origin: germline. Inheritance: Autosomal recessive inheritance. Affected: yes.